The following is an entry in ClinVar:

ClinVar aggregate classification (germline): Uncertain significance. Review status: criteria provided, multiple submitters, no conflicts (2 of 4 stars). 2 submissions from 2 submitters: Uncertain significance (2). Last evaluated 2025-02-15.

Conditions:
Hereditary cancer-predisposing syndrome. Also called: Hereditary neoplastic syndrome; Hereditary Cancer Syndrome; Neoplastic Syndromes, Hereditary; Tumor predisposition. Identifiers: Orphanet 140162, MedGen C0027672, MeSH D009386, MONDO:0015356.
Birt-Hogg-Dube syndrome. Also called: Birt Hogg Dubé syndrome. Identifiers: Orphanet 122, MedGen C0346010, MONDO:0800444.

Submissions (2):

Ambry Genetics
Classification: Uncertain significance for Hereditary cancer-predisposing syndrome. Last evaluated: 2025-02-15. Review status: criteria provided, single submitter. Criteria: Ambry Variant Classification Scheme 2023. Collection method: clinical testing. Allele origin: germline.
Comment: The p.R218L variant (also known as c.653G>T), located in coding exon 4 of the FLCN gene, results from a G to T substitution at nucleotide position 653. The arginine at codon 218 is replaced by leucine, an amino acid with dissimilar properties. This amino acid position is conserved. In addition, this alteration is predicted to be deleterious by in silico analysis. Based on the available evidence, the clinical significance of this variant remains unclear.

Labcorp Genetics (formerly Invitae), Labcorp
Classification: Uncertain significance for Birt-Hogg-Dube syndrome. Last evaluated: 2024-02-19. Review status: criteria provided, single submitter. Criteria: Invitae Variant Classification Sherloc (09022015). Collection method: clinical testing. Allele origin: germline.
Comment: This sequence change replaces arginine, which is basic and polar, with leucine, which is neutral and non-polar, at codon 218 of the FLCN protein (p.Arg218Leu). This variant is not present in population databases (gnomAD no frequency). This variant has not been reported in the literature in individuals affected with FLCN-related conditions. Advanced modeling of protein sequence and biophysical properties (such as structural, functional, and spatial information, amino acid conservation, physicochemical variation, residue mobility, and thermodynamic stability) performed at Invitae indicates that this missense variant is not expected to disrupt FLCN protein function with a negative predictive value of 80%. In summary, the available evidence is currently insufficient to determine the role of this variant in disease. Therefore, it has been classified as a Variant of Uncertain Significance.

NM_144997.7(FLCN):c.653G>T (p.Arg218Leu)

Gene: FLCN (folliculin; minus strand). Cytogenetic location: 17p11.2.
Variant type: single nucleotide variant.
Coding change: c.653G>T on transcript NM_144997.7 (MANE Select); coding-DNA position 653, G replaced by T.
Protein change: p.Arg218Leu; replaces arginine 218 with leucine.
Molecular consequence: missense variant.
Genome position (GRCh38, 1-based): chr17:17,222,627, C>A on the plus strand (G>T on the coding strand, the complement: FLCN is on the minus strand). VCF-style: chr17-17222627-C-A. GRCh37 (hg19) VCF-style: chr17-17125941-C-A.
Other names: c.653G>T, p.Arg218Leu (NM_001353230.2, NM_001353231.2, NM_144606.7); c.707G>T, p.Arg236Leu (NM_001353229.2); short protein forms R218L, R236L.
Identifiers: ClinVar variation 3641934 (VCV003641934.3).